The following is an entry in ClinVar:

ClinVar aggregate classification (germline): Pathogenic (1 of 4 stars; one submission).

Allele frequency attached by ClinVar (database versions not stated): gnomAD exomes below 0.00001.
gnomAD v4.1: 1 of 1,613,766 alleles (0.000062%); highest among the groups gnomAD compares: Non-Finnish European, 0.000085%; no homozygotes.

Submission:

Labcorp Genetics (formerly Invitae), Labcorp
Classification: Pathogenic. Last evaluated: 2022-10-24. Review status: criteria provided, single submitter. Criteria: Invitae Variant Classification Sherloc (09022015). Collection method: clinical testing. Allele origin: germline.
Comment: For these reasons, this variant has been classified as Pathogenic. Algorithms developed to predict the effect of sequence changes on RNA splicing suggest that this variant may disrupt the consensus splice site. Disruption of this splice site has been observed in individual(s) with autosomal recessive retinitis pigmentosa (PMID: 28512305). In at least one individual the data is consistent with being in trans (on the opposite chromosome) from a pathogenic variant. This variant is not present in population databases (gnomAD no frequency). This sequence change affects a donor splice site in intron 16 of the PROM1 gene. It is expected to disrupt RNA splicing. Variants that disrupt the donor or acceptor splice site typically lead to a loss of protein function (PMID: 16199547), and loss-of-function variants in PROM1 are known to be pathogenic (PMID: 17605048, 19718270, 24154662, 25474345).

Literature cited by the submitters: PubMed 28512305; PubMed 16199547; PubMed 17605048; PubMed 19718270; PubMed 24154662; PubMed 25474345.

NM_006017.3(PROM1):c.1911+1G>A

Gene: PROM1 (prominin 1; minus strand). Cytogenetic location: 4p15.32.
Variant type: single nucleotide variant.
Coding change: c.1911+1G>A on transcript NM_006017.3 (MANE Select); the canonical splice donor site of the intron after coding-DNA position 1911, G replaced by A.
Molecular consequence: splice donor variant.
Genome position (GRCh38, 1-based): chr4:15,992,247, C>T on the plus strand (G>A on the coding strand, the complement: PROM1 is on the minus strand). VCF-style: chr4-15992247-C-T. GRCh37 (hg19) VCF-style: chr4-15993870-C-T.
Other names: c.1884+1G>A (NM_001145848.2, NM_001145852.2, NM_001145847.2 and 4 more transcripts); c.1911+1G>A (NM_001145850.2, NM_001145849.2).
Identifiers: ClinVar variation 2203536 (VCV002203536.4), dbSNP rs2475275455, ClinGen allele CA356430682.